The following is an entry in ClinVar:

ClinVar aggregate classification (germline): Uncertain significance (1 of 4 stars; one submission).

Conditions:
RASopathy. Also called: Noonan spectrum disorder; rasopathies. Identifiers: Orphanet 536391, MedGen C5555857, MONDO:0021060.

Allele frequency attached by ClinVar (database versions not stated): gnomAD exomes below 0.00001.
gnomAD v4.1: 2 of 1,614,072 alleles (0.00012%); highest among the groups gnomAD compares: Middle Eastern, 0.033%; 1 homozygote.

Submission:

Labcorp Genetics (formerly Invitae), Labcorp
Classification: Uncertain significance for RASopathy. Last evaluated: 2023-03-27. Review status: criteria provided, single submitter. Criteria: Invitae Variant Classification Sherloc (09022015). Collection method: clinical testing. Allele origin: germline.
Comment: In summary, the available evidence is currently insufficient to determine the role of this variant in disease. Therefore, it has been classified as a Variant of Uncertain Significance. Advanced modeling of protein sequence and biophysical properties (such as structural, functional, and spatial information, amino acid conservation, physicochemical variation, residue mobility, and thermodynamic stability) performed at Invitae indicates that this missense variant is not expected to disrupt KRAS protein function. This variant has not been reported in the literature in individuals affected with KRAS-related conditions. This variant is not present in population databases (gnomAD no frequency). This sequence change replaces isoleucine, which is neutral and non-polar, with valine, which is neutral and non-polar, at codon 46 of the KRAS protein (p.Ile46Val).

NM_004985.5(KRAS):c.136A>G (p.Ile46Val)

Gene: KRAS (KRAS proto-oncogene, GTPase; minus strand). Cytogenetic location: 12p12.1.
Variant type: single nucleotide variant.
Coding change: c.136A>G on transcript NM_004985.5 (MANE Select); coding-DNA position 136, A replaced by G.
Protein change: p.Ile46Val; replaces isoleucine 46 with valine.
Molecular consequence: missense variant.
Genome position (GRCh38, 1-based): chr12:25,227,388, T>C on the plus strand (A>G on the coding strand, the complement: KRAS is on the minus strand). VCF-style: chr12-25227388-T-C. GRCh37 (hg19) VCF-style: chr12-25380322-T-C.
Other names: c.136A>G, p.Ile46Val (NM_001369786.1, NM_001369787.1, NM_033360.4); short protein forms I46V.
Identifiers: ClinVar variation 2896377 (VCV002896377.3), dbSNP rs2141510457, ClinGen allele CA384152393.